The following is an entry in ClinVar:

ClinVar aggregate classification (germline): Uncertain significance. Review status: criteria provided, multiple submitters, no conflicts (2 of 4 stars). 2 submissions from 2 submitters: Uncertain significance (2). Last evaluated 2024-11-26.

Conditions:
Autosomal recessive limb-girdle muscular dystrophy type 2U. Also called: MUSCULAR DYSTROPHY, LIMB-GIRDLE, TYPE 2U; Muscular dystrophy-dystroglycanopathy (limb-girdle), type c, 7. Identifiers: Orphanet 352479, MedGen C5190987, MONDO:0014474, OMIM 616052.
Muscular dystrophy-dystroglycanopathy (congenital with brain and eye anomalies), type A, 7. Also called: WALKER-WARBURG SYNDROME OR MUSCLE-EYE-BRAIN DISEASE, ISPD-RELATED; Congenital muscular dystrophy-dystroglycanopathy with brain and eye anomalies, type A7. Identifiers: Orphanet 899, MedGen C3553330, MONDO:0013835, OMIM 614643.

Allele frequency attached by ClinVar (database versions not stated): TOPMed 0.00002.
gnomAD v4.1: 7 of 1,611,604 alleles (0.00043%); highest among the groups gnomAD compares: African/African-American, 0.0094%; no homozygotes.

Submissions (2):

Ambry Genetics
Classification: Uncertain significance. Last evaluated: 2024-11-26. Review status: criteria provided, single submitter. Criteria: Ambry Variant Classification Scheme 2023. Collection method: clinical testing. Allele origin: germline.

Labcorp Genetics (formerly Invitae), Labcorp
Classification: Uncertain significance for Muscular dystrophy-dystroglycanopathy (congenital with brain and eye anomalies), type A, 7; Autosomal recessive limb-girdle muscular dystrophy type 2U. Last evaluated: 2023-07-07. Review status: criteria provided, single submitter. Criteria: Invitae Variant Classification Sherloc (09022015). Collection method: clinical testing. Allele origin: germline.
Comment: In summary, the available evidence is currently insufficient to determine the role of this variant in disease. Therefore, it has been classified as a Variant of Uncertain Significance. Advanced modeling of protein sequence and biophysical properties (such as structural, functional, and spatial information, amino acid conservation, physicochemical variation, residue mobility, and thermodynamic stability) performed at Invitae indicates that this missense variant is expected to disrupt ISPD protein function. ClinVar contains an entry for this variant (Variation ID: 666121). This variant has not been reported in the literature in individuals affected with ISPD-related conditions. This variant is present in population databases (no rsID available, gnomAD 0.01%). This sequence change replaces proline, which is neutral and non-polar, with threonine, which is neutral and polar, at codon 214 of the ISPD protein (p.Pro214Thr).

NM_001101426.4(CRPPA):c.640C>A (p.Pro214Thr)

Gene: CRPPA (CDP-L-ribitol pyrophosphorylase A; minus strand). Cytogenetic location: 7p21.2.
Variant type: single nucleotide variant.
Coding change: c.640C>A on transcript NM_001101426.4 (MANE Select); coding-DNA position 640, C replaced by A.
Protein change: p.Pro214Thr; replaces proline 214 with threonine.
Molecular consequence: missense variant. On other transcripts: non-coding transcript variant (1), intron variant (1).
Genome position (GRCh38, 1-based): chr7:16,376,136, G>T on the plus strand (C>A on the coding strand, the complement: CRPPA is on the minus strand). VCF-style: chr7-16376136-G-T. GRCh37 (hg19) VCF-style: chr7-16415761-G-T.
Other names: c.640C>A, p.Pro214Thr (NM_001368197.1); c.534+29925C>A (NM_001101417.4); short protein forms P214T.
Identifiers: ClinVar variation 666121 (VCV000666121.11), dbSNP rs886043226, ClinGen allele CA367001974.